The following is an entry in ClinVar:

NM_001185.4(AZGP1):c.327C>T (p.Asn109=)

Gene: AZGP1 (alpha-2-glycoprotein 1, zinc-binding; minus strand). Cytogenetic location: 7q22.1.
Variant type: single nucleotide variant.
Coding change: c.327C>T on transcript NM_001185.4 (MANE Select); coding-DNA position 327, C replaced by T.
Protein change: p.Asn109=; no amino-acid change (asparagine 109 retained).
Molecular consequence: synonymous variant.
Genome position (GRCh38, 1-based): chr7:99,971,756, G>A on the plus strand (C>T on the coding strand, the complement: AZGP1 is on the minus strand). VCF-style: chr7-99971756-G-A. GRCh37 (hg19) VCF-style: chr7-99569379-G-A.
Identifiers: ClinVar variation 2657729 (VCV002657729.24), dbSNP rs141506204, ClinGen allele CA4371563.

ClinVar aggregate classification (germline): Likely benign (1 of 4 stars; one submission).

Allele frequency attached by ClinVar (database versions not stated): ExAC 0.00061; 1000 Genomes Project 30x 0.00094; 1000 Genomes Project 0.00120; ESP Exome Variant Server 0.00169; gnomAD 0.00198; TOPMed 0.00227.

Submission:

CeGaT Center for Human Genetics Tuebingen
Classification: Likely benign. Last evaluated: 2023-02-01. Review status: criteria provided, single submitter. Criteria: CeGaT Center For Human Genetics Tuebingen Variant Classification Criteria Version 2. Collection method: clinical testing. Allele origin: germline. Affected: yes. Observed: 1 variant allele.
Comment: AZGP1: BP4, BP7